The following is an entry in ClinVar:

ClinVar aggregate classification (germline): Uncertain significance. Review status: criteria provided, multiple submitters, no conflicts (2 of 4 stars). 2 submissions from 2 submitters: Uncertain significance (2). Last evaluated 2022-09-02.

Conditions:
Inborn genetic diseases. Identifiers: MedGen C0950123, MeSH D030342.

Allele frequency attached by ClinVar (database versions not stated): gnomAD exomes below 0.00001; TOPMed below 0.00001; gnomAD 0.00001.
gnomAD v4.1: 2 of 1,614,030 alleles (0.00012%); highest among the groups gnomAD compares: African/African-American, 0.0027%; no homozygotes.

Submissions (2):

GeneDx
Classification: Uncertain significance. Last evaluated: 2022-09-02. Review status: criteria provided, single submitter. Criteria: GeneDx Variant Classification Process June 2021. Collection method: clinical testing. Allele origin: germline. Affected: yes.
Comment: Not observed at significant frequency in large population cohorts (gnomAD); In silico analysis supports that this missense variant does not alter protein structure/function; Has not been previously published as pathogenic or benign to our knowledge

Ambry Genetics
Classification: Uncertain significance for Inborn genetic diseases. Last evaluated: 2019-06-16. Review status: criteria provided, single submitter. Criteria: Ambry Variant Classification Scheme 2023. Collection method: clinical testing. Allele origin: germline.
Comment: The p.E668D variant (also known as c.2004A>C), located in coding exon 15 of the KCNQ3 gene, results from an A to C substitution at nucleotide position 2004. The glutamic acid at codon 668 is replaced by aspartic acid, an amino acid with highly similar properties. This amino acid position is not well conserved in available vertebrate species, and aspartic acidis the reference amino acid in other vertebrate species. In addition, this alteration is predicted to be benign by in silico analysis. Since supporting evidence is limited at this time, the clinical significance of this alteration remains unclear.

NM_004519.4(KCNQ3):c.2004A>C (p.Glu668Asp)

Gene: KCNQ3 (potassium voltage-gated channel subfamily Q member 3; minus strand). Cytogenetic location: 8q24.22.
Variant type: single nucleotide variant.
Coding change: c.2004A>C on transcript NM_004519.4 (MANE Select); coding-DNA position 2004, A replaced by C.
Protein change: p.Glu668Asp; replaces glutamic acid 668 with aspartic acid.
Molecular consequence: missense variant.
Genome position (GRCh38, 1-based): chr8:132,129,877, T>G on the plus strand (A>C on the coding strand, the complement: KCNQ3 is on the minus strand). VCF-style: chr8-132129877-T-G. GRCh37 (hg19) VCF-style: chr8-133142124-T-G.
Other names: c.1644A>C, p.Glu548Asp (NM_001204824.2); short protein forms E668D, E548D.
Identifiers: ClinVar variation 1784290 (VCV001784290.3), dbSNP rs1824809825, ClinGen allele CA372217155.